The following is an entry in ClinVar:

ClinVar aggregate classification (germline): Uncertain significance (1 of 4 stars; one submission).

Submission:

Illumina Laboratory Services, Illumina
Classification: Uncertain significance. Last evaluated: 2022-11-15. Review status: criteria provided, single submitter. Criteria: ICSL CNVClassificationCriteria Aug2020. Collection method: clinical testing. Allele origin: unknown. Affected: yes.
Comment: The RRAS2 c.596G>C (p.Cys199Ser) missense variant results in the substitution of cysteine at amino acid position 199 with serine. To our knowledge, this variant has not been reported in the peer-reviewed literature. This variant is not found in version 2.1.1 or version 3.1.2 of the Genome Aggregation Database. Based on the available evidence, the c.596G>C p.(Cys199Ser) variant is classified as a variant of uncertain significance for Noonan syndrome.

NM_012250.6(RRAS2):c.596G>C (p.Cys199Ser)

Gene: RRAS2 (RAS related 2; minus strand). Cytogenetic location: 11p15.2.
Variant type: single nucleotide variant.
Coding change: c.596G>C on transcript NM_012250.6 (MANE Select); coding-DNA position 596, G replaced by C.
Protein change: p.Cys199Ser; replaces cysteine 199 with serine.
Molecular consequence: missense variant.
Genome position (GRCh38, 1-based): chr11:14,279,356, C>G on the plus strand (G>C on the coding strand, the complement: RRAS2 is on the minus strand). VCF-style: chr11-14279356-C-G. GRCh37 (hg19) VCF-style: chr11-14300902-C-G.
Other names: c.365G>C, p.Cys122Ser (NM_001102669.3, NM_001177315.2); c.491G>C, p.Cys164Ser (NM_001177314.2); short protein forms C122S, C164S, C199S.
Identifiers: ClinVar variation 2429428 (VCV002429428.3), dbSNP rs1564950576, ClinGen allele CA379731743.
Genomic context (GRCh38, chr11:14,279,356, plus strand): 5'-AGGGCTTTTCCTGGCCGTTGGTAGCTAAAACTGAAGGGATTCTAGAAAATGACACAATGG[C>G]AGCCTTTCTTGTCTTTTTCTTTCCGTGTTGGTTCTGGTGAAGGAGGACATTCCTGCTCTT-3'
Protein context (NP_036382.2, residues 189-204): PTRKEKDKKG[Cys199Ser]HCVIF